The following is an entry in ClinVar:

ClinVar aggregate classification (germline): Pathogenic (1 of 4 stars; one submission).

Conditions:
Nephronophthisis. Also called: Juvenile Nephronophthisis. Identifiers: Orphanet 655, MedGen C0687120, MONDO:0019005, HP:0000090.

Submission:

Labcorp Genetics (formerly Invitae), Labcorp
Classification: Pathogenic for Nephronophthisis. Last evaluated: 2022-06-20. Review status: criteria provided, single submitter. Criteria: Invitae Variant Classification Sherloc (09022015). Collection method: clinical testing. Allele origin: germline.
Comment: For these reasons, this variant has been classified as Pathogenic. ClinVar contains an entry for this variant (Variation ID: 1071083). This variant has not been reported in the literature in individuals affected with NPHP3-related conditions. This variant is not present in population databases (gnomAD no frequency). This sequence change creates a premature translational stop signal (p.Ala11Argfs*5) in the NPHP3 gene. It is expected to result in an absent or disrupted protein product. Loss-of-function variants in NPHP3 are known to be pathogenic (PMID: 18371931, 23559409).

Literature cited by the submitters: PubMed 18371931; PubMed 23559409.

NM_153240.5(NPHP3):c.30del (p.Ala11fs)

Genes: NPHP3 (nephrocystin 3; minus strand), NPHP3-ACAD11 (NPHP3-ACAD11 readthrough (NMD candidate); minus strand), NPHP3-AS1 (NPHP3 antisense RNA 1; plus strand). Cytogenetic location: 3q22.1.
Variant type: Deletion.
Coding change: c.30del on transcript NM_153240.5 (MANE Select); coding-DNA position 30, one base deleted (C; older notation c.30delC).
Protein change: p.Ala11fs; shifts the reading frame from alanine 11.
Molecular consequence: frameshift variant. On other transcripts: non-coding transcript variant (3).
Genome position (GRCh38, 1-based): chr3:132,722,326, G deleted on the plus strand (C on the coding strand, the reverse complement: NPHP3 is on the minus strand); the first of 4 consecutive G bases (chr3:132,722,326-132,722,329); deleting any one gives the same sequence. VCF-style (leftmost placement, unchanged base first): chr3-132722325-CG-C. GRCh37 (hg19) VCF-style: chr3-132441169-CG-C.
Other names: short protein forms A11fs.
Identifiers: ClinVar variation 1071083 (VCV001071083.8), dbSNP rs1311592052, ClinGen allele CA899021512.